The following is an entry in ClinVar:

NM_153766.3(KCNJ1):c.*88G>A

Gene: KCNJ1 (potassium inwardly rectifying channel subfamily J member 1; minus strand). Cytogenetic location: 11q24.3.
Variant type: single nucleotide variant.
Coding change: c.*88G>A on transcript NM_153766.3 (MANE Select); 88 bases downstream of the stop codon, G replaced by A.
Molecular consequence: 3 prime UTR variant.
Genome position (GRCh38, 1-based): chr11:128,839,037, C>T on the plus strand (G>A on the coding strand, the complement: KCNJ1 is on the minus strand). VCF-style: chr11-128839037-C-T. GRCh37 (hg19) VCF-style: chr11-128708932-C-T.
Other names: c.*88G>A (NM_000220.6, NM_153764.3, NM_153765.3 and 1 more transcripts).
Identifiers: ClinVar variation 303566 (VCV000303566.5), dbSNP rs117795695, ClinGen allele CA10637846.

ClinVar aggregate classification (germline): Likely benign (1 of 4 stars; one submission).

Conditions:
Bartter disease type 2. Also called: HYPERPROSTAGLANDIN E SYNDROME 2; Bartter syndrome, type 2, antenatal; HYPOKALEMIC ALKALOSIS WITH HYPERCALCIURIA 2, ANTENATAL. Identifiers: Orphanet 112, Orphanet 620220, MedGen C1855849, MONDO:0009424, OMIM 241200.

Allele frequency attached by ClinVar (database versions not stated): gnomAD 0.00043 and 0.00059; gnomAD exomes 0.00050; TOPMed 0.00068; 1000 Genomes Project 30x 0.00234; 1000 Genomes Project 0.00300.
gnomAD v4.1: 652 of 1,212,174 alleles (0.054%); highest among the groups gnomAD compares: East Asian, 1.1%; 5 homozygotes.

Submission:

Illumina Laboratory Services, Illumina
Classification: Likely benign for Bartter disease type 2. Last evaluated: 2018-01-12. Review status: criteria provided, single submitter. Criteria: ICSL Variant Classification Criteria 13 December 2019. Collection method: clinical testing. Allele origin: germline.
Comment: This variant was observed in the ICSL laboratory as part of a predisposition screen in an ostensibly healthy population. It had not been previously curated by ICSL or reported in the Human Gene Mutation Database (HGMD: prior to June 1st, 2018), and was therefore a candidate for classification through an automated scoring system. Utilizing variant allele frequency, disease prevalence and penetrance estimates, and inheritance mode, an automated score was calculated to assess if this variant is too frequent to cause the disease. Based on the score and internal cut-off values, a variant classified as likely benign is not then subjected to further curation. The score for this variant resulted in a classification of likely benign for this disease.